The following is an entry in ClinVar:

NM_001458.5(FLNC):c.1259G>A (p.Arg420Gln)

Gene: FLNC (filamin C; plus strand). Cytogenetic location: 7q32.1.
Variant type: single nucleotide variant.
Coding change: c.1259G>A on transcript NM_001458.5 (MANE Select); coding-DNA position 1259, G replaced by A.
Protein change: p.Arg420Gln; replaces arginine 420 with glutamine.
Molecular consequence: missense variant.
Genome position (GRCh38, 1-based): chr7:128,838,651, G>A. VCF-style: chr7-128838651-G-A. GRCh37 (hg19) VCF-style: chr7-128478705-G-A.
Other names: c.1259G>A, p.Arg420Gln (NM_001127487.2); short protein forms R420Q.
Identifiers: ClinVar variation 539342 (VCV000539342.15), dbSNP rs371410741, ClinGen allele CA4474290.

ClinVar aggregate classification (germline): Conflicting classifications of pathogenicity. Review status: criteria provided, conflicting classifications (1 of 4 stars). 4 submissions from 4 submitters: Uncertain significance (3); Likely benign (1). Last evaluated 2025-10-13.

Conditions:
Distal myopathy with posterior leg and anterior hand involvement. Also called: WILLIAMS DISTAL MYOPATHY. Identifiers: Orphanet 63273, MedGen C3279722, MONDO:0013550, OMIM 614065.
Myofibrillar myopathy 5. Also called: Filaminopathy (type); FILAMINOPATHY, AUTOSOMAL DOMINANT. Identifiers: Orphanet 171445, MedGen C1836050, MONDO:0012289, OMIM 609524.
Hypertrophic cardiomyopathy 26. Also called: Cardiomyopathy, familial hypertrophic, 26. Identifiers: Orphanet 75249, MedGen C4310749, MONDO:0014883, OMIM 617047.
Cardiovascular phenotype. Identifiers: MedGen CN230736.

Allele frequency attached by ClinVar (database versions not stated): ExAC 0.00006; gnomAD exomes 0.00006; TOPMed 0.00012; gnomAD 0.00014 and 0.00015; ESP Exome Variant Server 0.00024.
gnomAD v4.1: 81 of 1,612,978 alleles (0.005%); highest among the groups gnomAD compares: African/African-American, 0.032%; 1 homozygote.

Submissions (4):

Labcorp Genetics (formerly Invitae), Labcorp
Classification: Likely benign for Distal myopathy with posterior leg and anterior hand involvement; Myofibrillar myopathy 5; Hypertrophic cardiomyopathy 26. Last evaluated: 2025-10-13. Review status: criteria provided, single submitter. Criteria: Invitae Variant Classification Sherloc (09022015). Collection method: clinical testing. Allele origin: germline.

Molecular Diagnostic Laboratory for Inherited Cardiovascular Disease, Montreal Heart Institute
Classification: Uncertain significance for Cardiovascular phenotype. Last evaluated: 2025-04-09. Review status: criteria provided, single submitter. Criteria: ACMG Guidelines, 2015. Collection method: clinical testing. Allele origin: germline. Affected: yes.

Ambry Genetics
Classification: Uncertain significance for Cardiovascular phenotype. Last evaluated: 2025-01-23. Review status: criteria provided, single submitter. Criteria: Ambry Variant Classification Scheme 2023. Collection method: clinical testing. Allele origin: germline.
Comment: The p.R420Q variant (also known as c.1259G>A), located in coding exon 8 of the FLNC gene, results from a G to A substitution at nucleotide position 1259. The arginine at codon 420 is replaced by glutamine, an amino acid with highly similar properties. This amino acid position is well conserved in available vertebrate species. In addition, this alteration is predicted to be tolerated by in silico analysis. Based on the available evidence, the clinical significance of this variant remains unclear.

Fulgent Genetics
Classification: Uncertain significance for Myofibrillar myopathy 5; Distal myopathy with posterior leg and anterior hand involvement; Hypertrophic cardiomyopathy 26. Last evaluated: 2021-07-28. Review status: criteria provided, single submitter. Criteria: ACMG Guidelines, 2015. Collection method: clinical testing. Allele origin: unknown.